The following is an entry in ClinVar:

NM_004385.5(VCAN):c.8072C>T (p.Thr2691Ile)

Genes: VCAN (versican; plus strand), VCAN-AS1 (VCAN antisense RNA 1; minus strand). Cytogenetic location: 5q14.3.
Variant type: single nucleotide variant.
Coding change: c.8072C>T on transcript NM_004385.5 (MANE Select); coding-DNA position 8072, C replaced by T.
Protein change: p.Thr2691Ile; replaces threonine 2691 with isoleucine.
Molecular consequence: missense variant. On other transcripts: intron variant (2).
Genome position (GRCh38, 1-based): chr5:83,541,075, C>T. VCF-style: chr5-83541075-C-T. GRCh37 (hg19) VCF-style: chr5-82836894-C-T.
Other names: c.5111C>T, p.Thr1704Ile (NM_001164097.2); c.4004-4462C>T (NM_001164098.2); c.1043-4462C>T (NM_001126336.3); c.8072C>T (NM_004385.4); short protein forms T1704I, T2691I.
Identifiers: ClinVar variation 1907592 (VCV001907592.7), dbSNP rs1434129544, ClinGen allele CA360316130.
Genomic context (GRCh38, chr5:83,541,075, plus strand): 5'-CAACTGGGATCCCTGCTCCTAGCACAGAAACAGAATTAGACGTTTTACTTCCCACGGCAA[C>T]ATCCCTGCCAATTCCTCGTAAGTCTGCCACAGTTATTCCAGAGATTGAAGGAATAAAAGC-3'
Protein context (NP_004376.2, residues 2681-2701): TELDVLLPTA[Thr2691Ile]SLPIPRKSAT

ClinVar aggregate classification (germline): Uncertain significance. Review status: criteria provided, multiple submitters, no conflicts (2 of 4 stars). 3 submissions from 3 submitters: Uncertain significance (3). Last evaluated 2026-04-23.

Conditions:
Inborn genetic diseases. Identifiers: MedGen C0950123, MeSH D030342.
VCAN-related disorder. Also called: VCAN-related condition.

Allele frequency attached by ClinVar (database versions not stated): gnomAD exomes below 0.00001; gnomAD 0.00003; TOPMed 0.00003.
gnomAD v4.1: 7 of 1,613,950 alleles (0.00043%); highest among the groups gnomAD compares: Admixed American, 0.0083%; no homozygotes.

Submissions (3):

PreventionGenetics, part of Exact Sciences
Classification: Uncertain significance for VCAN-related condition. Last evaluated: 2026-04-23. Review status: criteria provided, single submitter. Criteria: ACMG Guidelines, 2015. Collection method: clinical testing. Allele origin: germline.
Comment: The VCAN c.8072C>T variant is predicted to result in the amino acid substitution p.Thr2691Ile. To our knowledge, this variant has not been reported in the literature. This variant is reported in 0.0033% of alleles in individuals of South Asian descent in gnomAD. At this time, the clinical significance of this variant is uncertain due to the absence of conclusive functional and genetic evidence.

Ambry Genetics
Classification: Uncertain significance for Inborn genetic diseases. Last evaluated: 2026-03-10. Review status: criteria provided, single submitter. Criteria: Ambry Variant Classification Scheme 2023. Collection method: clinical testing. Allele origin: germline.

Labcorp Genetics (formerly Invitae), Labcorp
Classification: Uncertain significance. Last evaluated: 2022-03-28. Review status: criteria provided, single submitter. Criteria: Invitae Variant Classification Sherloc (09022015). Collection method: clinical testing. Allele origin: germline.
Comment: This variant has not been reported in the literature in individuals affected with VCAN-related conditions. Algorithms developed to predict the effect of missense changes on protein structure and function are either unavailable or do not agree on the potential impact of this missense change (SIFT: "Deleterious"; PolyPhen-2: "Benign"; Align-GVGD: "Class C0"). In summary, the available evidence is currently insufficient to determine the role of this variant in disease. Therefore, it has been classified as a Variant of Uncertain Significance. This variant is present in population databases (no rsID available, gnomAD 0.003%). This sequence change replaces threonine, which is neutral and polar, with isoleucine, which is neutral and non-polar, at codon 2691 of the VCAN protein (p.Thr2691Ile).